The following is an entry in ClinVar:

NM_001128840.3(CACNA1D):c.5637G>C (p.Glu1879Asp)

Gene: CACNA1D (calcium voltage-gated channel subunit alpha1 D; plus strand). Cytogenetic location: 3p21.1.
Variant type: single nucleotide variant.
Coding change: c.5637G>C on transcript NM_001128840.3 (MANE Select); coding-DNA position 5637, G replaced by C.
Protein change: p.Glu1879Asp; replaces glutamic acid 1879 with aspartic acid.
Molecular consequence: missense variant.
Genome position (GRCh38, 1-based): chr3:53,805,034, G>C. VCF-style: chr3-53805034-G-C. GRCh37 (hg19) VCF-style: chr3-53839061-G-C.
Other names: c.5697G>C, p.Glu1899Asp (NM_000720.4); c.5565G>C, p.Glu1855Asp (NM_001128839.3); short protein forms E1879D, E1855D, E1899D.
Identifiers: ClinVar variation 2866762 (VCV002866762.3), dbSNP rs2474507551, ClinGen allele CA353254583.

ClinVar aggregate classification (germline): Uncertain significance (1 of 4 stars; one submission).

Submission:

Labcorp Genetics (formerly Invitae), Labcorp
Classification: Uncertain significance. Last evaluated: 2023-05-22. Review status: criteria provided, single submitter. Criteria: Invitae Variant Classification Sherloc (09022015). Collection method: clinical testing. Allele origin: germline.
Comment: In summary, the available evidence is currently insufficient to determine the role of this variant in disease. Therefore, it has been classified as a Variant of Uncertain Significance. An algorithm developed to predict the effect of missense changes on protein structure and function (PolyPhen-2) suggests that this variant is likely to be tolerated. This variant has not been reported in the literature in individuals affected with CACNA1D-related conditions. This variant is not present in population databases (gnomAD no frequency). This sequence change replaces glutamic acid, which is acidic and polar, with aspartic acid, which is acidic and polar, at codon 1899 of the CACNA1D protein (p.Glu1899Asp).